The following is an entry in ClinVar:

NM_133178.4(PTPRU):c.687G>A (p.Gly229=)

Gene: PTPRU (protein tyrosine phosphatase receptor type U; plus strand). Cytogenetic location: 1p35.3.
Variant type: single nucleotide variant.
Coding change: c.687G>A on transcript NM_133178.4 (MANE Select); coding-DNA position 687, G replaced by A.
Protein change: p.Gly229=; no amino-acid change (glycine 229 retained).
Molecular consequence: synonymous variant.
Genome position (GRCh38, 1-based): chr1:29,259,881, G>A. VCF-style: chr1-29259881-G-A. GRCh37 (hg19) VCF-style: chr1-29586393-G-A.
Other names: c.687G>A, p.Gly229= (NM_001195001.2, NM_005704.5, NM_133177.4).
Identifiers: ClinVar variation 3045363 (VCV003045363.2), dbSNP rs538219831, ClinGen allele CA726183.

ClinVar aggregate classification (germline): Benign (0 of 4 stars; one submission).

Conditions:
PTPRU-related disorder. Also called: PTPRU-related condition.

Allele frequency attached by ClinVar (database versions not stated): gnomAD exomes 0.00030; gnomAD 0.00042; TOPMed 0.00060; ExAC 0.00075; 1000 Genomes Project 0.00100; 1000 Genomes Project 30x 0.00125.
gnomAD v4.1: 472 of 1,531,056 alleles (0.031%); highest among the groups gnomAD compares: East Asian, 0.84%; 3 homozygotes.

Submission:

PreventionGenetics, part of Exact Sciences
Classification: Benign for PTPRU-related condition. Last evaluated: 2019-10-28. Review status: no assertion criteria provided. Collection method: clinical testing. Allele origin: germline.
Comment: This variant is classified as benign based on ACMG/AMP sequence variant interpretation guidelines (Richards et al. 2015 PMID: 25741868, with internal and published modifications).